The following is an entry in ClinVar:

NM_001854.4(COL11A1):c.1491C>G (p.Phe497Leu)

Gene: COL11A1 (collagen type XI alpha 1 chain; minus strand). Cytogenetic location: 1p21.1.
Variant type: single nucleotide variant.
Coding change: c.1491C>G on transcript NM_001854.4 (MANE Select); coding-DNA position 1491, C replaced by G.
Protein change: p.Phe497Leu; replaces phenylalanine 497 with leucine.
Molecular consequence: missense variant. On other transcripts: non-coding transcript variant (1).
Genome position (GRCh38, 1-based): chr1:103,014,592, G>C on the plus strand (C>G on the coding strand, the complement: COL11A1 is on the minus strand). VCF-style: chr1-103014592-G-C. GRCh37 (hg19) VCF-style: chr1-103480148-G-C.
Other names: c.1374C>G, p.Phe458Leu (NM_001190709.2); c.1527C>G, p.Phe509Leu (NM_080629.3); c.1143C>G, p.Phe381Leu (NM_080630.4); short protein forms F381L, F509L, F458L, F497L.
Identifiers: ClinVar variation 1470561 (VCV001470561.9), dbSNP rs755704308, ClinGen allele CA974952.
Genomic context (GRCh38, chr1:103,014,592, plus strand): 5'-TTGAGCCTGAGCTTCCTGAGCAGAGATGGTTGGTCCTTTGGAACCATCACCACCATAACG[G>C]AACTTGGAAGAGATAACATTAAGAAATTCAAAATTAGCTTTGTCAAACATGTTGAATTAC-3'
Protein context (NP_001845.3, residues 487-507): GPPGTMLMLP[Phe497Leu]RYGGDGSKGP

ClinVar aggregate classification (germline): Uncertain significance. Review status: criteria provided, multiple submitters, no conflicts (2 of 4 stars). 2 submissions from 2 submitters: Uncertain significance (2). Last evaluated 2023-07-29.

Allele frequency attached by ClinVar (database versions not stated): gnomAD exomes below 0.00001 and 0.00001; ExAC 0.00001; TOPMed 0.00001.
gnomAD v4.1: 3 of 1,613,128 alleles (0.00019%); highest among the groups gnomAD compares: Admixed American, 0.005%; no homozygotes.

Submissions (2):

Labcorp Genetics (formerly Invitae), Labcorp
Classification: Uncertain significance. Last evaluated: 2023-07-29. Review status: criteria provided, single submitter. Criteria: Invitae Variant Classification Sherloc (09022015). Collection method: clinical testing. Allele origin: germline.
Comment: This sequence change replaces phenylalanine, which is neutral and non-polar, with leucine, which is neutral and non-polar, at codon 497 of the COL11A1 protein (p.Phe497Leu). This variant is present in population databases (rs755704308, gnomAD 0.003%). This variant has not been reported in the literature in individuals affected with COL11A1-related conditions. ClinVar contains an entry for this variant (Variation ID: 1470561). An algorithm developed to predict the effect of missense changes on protein structure and function (PolyPhen-2) suggests that this variant is likely to be disruptive. In summary, the available evidence is currently insufficient to determine the role of this variant in disease. Therefore, it has been classified as a Variant of Uncertain Significance.

GeneDx
Classification: Uncertain significance. Last evaluated: 2022-06-27. Review status: criteria provided, single submitter. Criteria: GeneDx Variant Classification Process June 2021. Collection method: clinical testing. Allele origin: germline. Affected: yes.
Comment: Not observed at significant frequency in large population cohorts (gnomAD); In silico analysis supports that this missense variant has a deleterious effect on protein structure/function; Has not been previously published as pathogenic or benign to our knowledge